The following is an entry in ClinVar:

ClinVar aggregate classification (germline): Uncertain significance. Review status: criteria provided, multiple submitters, no conflicts (2 of 4 stars). 5 submissions from 5 submitters: Uncertain significance (5). Last evaluated 2026-08-06.

Conditions:
Intellectual developmental disorder with paroxysmal dyskinesia or seizures. Identifiers: MedGen C5436894, MONDO:0030900, OMIM 619150.
Inborn genetic diseases. Identifiers: MedGen C0950123, MeSH D030342.

Allele frequency attached by ClinVar (database versions not stated): 1000 Genomes Project 30x 0.00016; 1000 Genomes Project 0.00020; ExAC 0.00021; gnomAD exomes 0.00025; TOPMed 0.00027; gnomAD 0.00036 and 0.00037; ESP Exome Variant Server 0.00054.
gnomAD v4.1: 363 of 1,613,914 alleles (0.022%); highest among the groups gnomAD compares: South Asian, 0.03%; no homozygotes.

Submissions (5):

OLLIN Analises Genomicas, OLLIN
Classification: Uncertain significance for Intellectual developmental disorder with paroxysmal dyskinesia or seizures. Last evaluated: 2026-08-06. Review status: criteria provided, single submitter. Criteria: ACMG Guidelines 2015 PMID 25741868. Collection method: clinical testing. Allele origin: germline.
Comment: This missense variant, located in exon 21 (of 31), has been reported in ClinVar (accession VCV001330238.9) and in gnomAD with an allele frequency of 0.022%. However, to our knowledge, it has not been reported in the scientific literature. In silico analysis predicts that this variant has a tolerated effect. According to the currently available evidence, this variant has been classified as uncertain significance (PM2_P, BP4).

Labcorp Genetics (formerly Invitae), Labcorp
Classification: Uncertain significance. Last evaluated: 2025-12-08. Review status: criteria provided, single submitter. Criteria: Invitae Variant Classification Sherloc (09022015). Collection method: clinical testing. Allele origin: germline.
Comment: This sequence change replaces methionine, which is neutral and non-polar, with valine, which is neutral and non-polar, at codon 617 of the PDE2A protein (p.Met617Val). This variant is present in population databases (rs117468012, gnomAD 0.04%). This variant has not been reported in the literature in individuals affected with PDE2A-related conditions. ClinVar contains an entry for this variant (Variation ID: 1330238). An algorithm developed to predict the effect of missense changes on protein structure and function (PolyPhen-2) suggests that this variant is likely to be tolerated. Algorithms developed to predict the effect of sequence changes on RNA splicing suggest that this variant may create or strengthen a splice site. In summary, the available evidence is currently insufficient to determine the role of this variant in disease. Therefore, it has been classified as a Variant of Uncertain Significance.

3billion
Classification: Uncertain significance for Intellectual developmental disorder with paroxysmal dyskinesia or seizures. Last evaluated: 2025-12-03. Review status: criteria provided, single submitter. Criteria: ACMG Guidelines, 2015. Collection method: clinical testing. Allele origin: germline. Affected: yes.
Comment: The variant is observed at an extremely low frequency in the gnomAD v4.1.0 dataset (total allele frequency: 0.022%). Predicted Consequence/Location: Missense variant In silico tools predict the variant to alter splicing and produce an abnormal transcript [SpliceAI: 0.36 (>=0.2, moderate evidence for spliceogenicity)]. The variant has been reported as of uncertain significance (ClinVar ID: VCV001330238). Therefore, this variant is classified as VUS according to the recommendation of ACMG/AMP guideline.

MVZ Martinsried, Medicover Genetics
Classification: Uncertain significance for Intellectual developmental disorder with paroxysmal dyskinesia or seizures. Last evaluated: 2021-09-22. Review status: criteria provided, single submitter. Criteria: ACGS Guidelines, 2020. Collection method: clinical testing. Allele origin: biparental. Affected: yes.

Ambry Genetics
Classification: Uncertain significance for Inborn genetic diseases. Last evaluated: 2021-09-16. Review status: criteria provided, single submitter. Criteria: Ambry Variant Classification Scheme 2023. Collection method: clinical testing. Allele origin: germline.

NM_002599.5(PDE2A):c.1849A>G (p.Met617Val)

Gene: PDE2A (phosphodiesterase 2A; minus strand). Cytogenetic location: 11q13.4.
Variant type: single nucleotide variant.
Coding change: c.1849A>G on transcript NM_002599.5 (MANE Select); coding-DNA position 1849, A replaced by G.
Protein change: p.Met617Val; replaces methionine 617 with valine.
Molecular consequence: missense variant.
Genome position (GRCh38, 1-based): chr11:72,582,446, T>C on the plus strand (A>G on the coding strand, the complement: PDE2A is on the minus strand). VCF-style: chr11-72582446-T-C. GRCh37 (hg19) VCF-style: chr11-72293490-T-C.
Other names: c.1828A>G, p.Met610Val (NM_001143839.4); c.1822A>G, p.Met608Val (NM_001146209.3); c.1786A>G, p.Met596Val (NM_001243784.2); c.1849A>G (NM_002599.4); short protein forms M596V, M608V, M610V, M617V.
Identifiers: ClinVar variation 1330238 (VCV001330238.10), dbSNP rs117468012, ClinGen allele CA6172035.